The following is an entry in ClinVar:

ClinVar aggregate classification (germline): Likely benign. Review status: criteria provided, multiple submitters, no conflicts (2 of 4 stars). 7 submissions from 7 submitters: Likely benign (6). 1 of the submissions does not count toward it. Last evaluated 2025-12-17.

Conditions:
Marinesco-Sjögren syndrome (MSS). Also called: Marinesco-SjÃ¶gren syndrome; Marinesco-Sjogren Syndrome. Identifiers: Orphanet 559, MedGen C0024814, MONDO:0009567, OMIM 248800.
SIL1-related disorder. Also called: SIL1-related condition.

Allele frequency attached by ClinVar (database versions not stated): gnomAD exomes 0.00021 and 0.00050; ExAC 0.00023; gnomAD 0.00027 and 0.00028; TOPMed 0.00032; ESP Exome Variant Server 0.00054.
gnomAD v4.1: 790 of 1,613,366 alleles (0.049%); highest among the groups gnomAD compares: Non-Finnish European, 0.062%; no homozygotes.

Submissions (7):

Mayo Clinic Laboratories, Mayo Clinic
Classification: Likely benign. Last evaluated: 2025-12-17. Review status: criteria provided, single submitter. Criteria: ACMG Guidelines, 2015. Collection method: clinical testing. Allele origin: germline. Observed: 1 variant allele.
Comment: BP4, BP7

Labcorp Genetics (formerly Invitae), Labcorp
Classification: Likely benign for Marinesco-Sjögren syndrome. Last evaluated: 2025-12-11. Review status: criteria provided, single submitter. Criteria: Invitae Variant Classification Sherloc (09022015). Collection method: clinical testing. Allele origin: germline.

CeGaT Center for Human Genetics Tuebingen
Classification: Likely benign. Last evaluated: 2025-12-01. Review status: criteria provided, single submitter. Criteria: CeGaT Center For Human Genetics Tuebingen Variant Classification Criteria Version 2. Collection method: clinical testing. Allele origin: germline. Affected: yes. Observed: 6 variant alleles.
Comment: SIL1: BP4, BP7

Blueprint Genetics
Classification: Likely benign. Last evaluated: 2024-09-25. Review status: criteria provided, single submitter. Criteria: ACMG Guidelines, 2015. Collection method: clinical testing. Allele origin: germline.

GeneDx
Classification: Likely benign. Last evaluated: 2019-11-26. Review status: criteria provided, single submitter. Criteria: GeneDx Variant Classification Process June 2021. Collection method: clinical testing. Allele origin: germline. Affected: yes.

Athena Diagnostics
Classification: Likely benign. Last evaluated: 2016-09-27. Review status: criteria provided, single submitter. Criteria: Athena Diagnostics Criteria. Collection method: clinical testing. Allele origin: germline.

PreventionGenetics, part of Exact Sciences
Classification: Likely benign for SIL1-related condition. Last evaluated: 2019-04-04. Review status: no assertion criteria provided. Collection method: clinical testing. Allele origin: germline. Not counted in ClinVar's aggregate classification.
Comment: This variant is classified as likely benign based on ACMG/AMP sequence variant interpretation guidelines (Richards et al. 2015 PMID: 25741868, with internal and published modifications).

NM_022464.5(SIL1):c.1206C>T (p.Gly402=)

Gene: SIL1 (SIL1 nucleotide exchange factor; minus strand). Cytogenetic location: 5q31.2.
Variant type: single nucleotide variant.
Coding change: c.1206C>T on transcript NM_022464.5 (MANE Select); coding-DNA position 1206, C replaced by T.
Protein change: p.Gly402=; no amino-acid change (glycine 402 retained).
Molecular consequence: synonymous variant.
Genome position (GRCh38, 1-based): chr5:138,947,297, G>A on the plus strand (C>T on the coding strand, the complement: SIL1 is on the minus strand). VCF-style: chr5-138947297-G-A. GRCh37 (hg19) VCF-style: chr5-138282986-G-A.
Other names: p.Gly402=; c.1206C>T, p.Gly402= (NM_001037633.2).
Identifiers: ClinVar variation 448383 (VCV000448383.43), dbSNP rs146164392, ClinGen allele CA3432347.
Genomic context (GRCh38, chr5:138,947,297, plus strand): 5'-CAGTGTCCTGCCGAGCTGGGGGTCCTGACGGTAGCGGTCCCGGCAGGTGGTCAGGAGGAC[G>A]CCCAGTGTCTGCAGCACCTTCTCACGGGCATCATGCTCGGGCAGCGCCAGGAGGTGGGCC-3'
Protein context (NP_071909.1, residues 392-412): DAREKVLQTL[Gly402=]VLLTTCRDRY